The following is an entry in ClinVar:

ClinVar aggregate classification (germline): Uncertain significance (1 of 4 stars; one submission).

Conditions:
Inborn genetic diseases. Identifiers: MedGen C0950123, MeSH D030342.

Submission:

Ambry Genetics
Classification: Uncertain significance for Inborn genetic diseases. Last evaluated: 2025-09-17. Review status: criteria provided, single submitter. Criteria: Ambry Variant Classification Scheme 2023. Collection method: clinical testing. Allele origin: germline.
Comment: The c.486+2T>C intronic variant results from a T to C substitution two nucleotide after coding exon 3 of the PPP2CA gene. Alterations that disrupt the canonical splice site are expected to cause aberrant splicing, resulting in an abnormal protein or a transcript that is subject to nonsense-mediated mRNA decay; however, +2T>C alterations are capable of generating wild-type transcripts in some genomic contexts and should be interpreted with caution (Lin, 2019). This variant was not reported in population-based cohorts in the Genome Aggregation Database (gnomAD). This nucleotide position is highly conserved in available vertebrate species. Based on insufficient or conflicting evidence, the clinical significance of this alteration remains unclear.

Literature cited by the submitters: PubMed 31131953.

NM_002715.4(PPP2CA):c.486+2T>C

Gene: PPP2CA (protein phosphatase 2 catalytic subunit alpha; minus strand). Cytogenetic location: 5q31.1.
Variant type: single nucleotide variant.
Coding change: c.486+2T>C on transcript NM_002715.4 (MANE Select); the canonical splice donor site of the intron after coding-DNA position 486, T replaced by C.
Molecular consequence: splice donor variant.
Genome position (GRCh38, 1-based): chr5:134,201,846, A>G on the plus strand (T>C on the coding strand, the complement: PPP2CA is on the minus strand). VCF-style: chr5-134201846-A-G. GRCh37 (hg19) VCF-style: chr5-133537537-A-G.
Other names: c.291+2T>C (NM_001355019.2).
Identifiers: ClinVar variation 4628318 (VCV004628318.1).